The following is an entry in ClinVar:

NM_000553.6(WRN):c.3690_3693del

Gene: WRN (WRN RecQ like helicase; plus strand). Cytogenetic location: 8p12.
Variant type: Microsatellite.
Coding change: c.3690_3693del on transcript NM_000553.6 (MANE Select); coding-DNA positions 3690 to 3693, 4 bases deleted (AGAC; older notation c.3690_3693delAGAC).
Molecular consequence: splice acceptor variant.
Genome position (GRCh38, 1-based): chr8:31,154,626-31,154,629, AGAC deleted; deleting any 4 consecutive bases within chr8:31,154,622-31,154,629 gives the same sequence; the c. name uses the placement nearest the transcript's 3' end. VCF-style (leftmost placement, unchanged base first): chr8-31154621-TAGAC-T. GRCh37 (hg19) VCF-style: chr8-31012137-TAGAC-T.
Identifiers: ClinVar variation 5446 (VCV000005446.11), dbSNP rs606231162, ClinGen allele CA253488.

ClinVar aggregate classification (germline): Pathogenic. Review status: criteria provided, multiple submitters, no conflicts (2 of 4 stars). 4 submissions from 4 submitters: Pathogenic (3). 1 of the submissions does not count toward it. Last evaluated 2025-07-21.

Conditions:
Werner syndrome (WRN). Identifiers: Orphanet 902, MedGen C0043119, MONDO:0010196, OMIM 277700.

Submissions (4):

Labcorp Genetics (formerly Invitae), Labcorp
Classification: Pathogenic for Werner syndrome. Last evaluated: 2025-07-21. Review status: criteria provided, single submitter. Criteria: Invitae Variant Classification Sherloc (09022015). Collection method: clinical testing. Allele origin: germline.
Comment: This sequence change creates a premature translational stop signal (p.Asp1231Serfs*16) in the WRN gene. RNA analysis indicates that this premature translational stop signal induces altered splicing and may result in an absent or altered protein product. This variant is present in population databases (rs606231162, gnomAD 0.0009%). This premature translational stop signal has been observed in individual(s) with Werner syndrome (WS) (PMID: 8602509, 8968742, 16786514). It has also been observed to segregate with disease in related individuals. This variant is also known as 3919–3922 ACAG deletion. Studies have shown that this premature translational stop signal results in activation of a cryptic splice site, and produces a non-functional protein and/or introduces a premature termination codon (internal data). For these reasons, this variant has been classified as Pathogenic.

Fulgent Genetics
Classification: Pathogenic for Werner syndrome. Last evaluated: 2024-06-07. Review status: criteria provided, single submitter. Criteria: ACMG Guidelines, 2015. Collection method: clinical testing. Allele origin: germline.

Baylor Genetics
Classification: Pathogenic for Werner syndrome. Last evaluated: 2023-05-02. Review status: criteria provided, single submitter. Criteria: ACMG Guidelines, 2015. Collection method: clinical testing. Allele origin: unknown.

OMIM
Classification: Pathogenic for WERNER SYNDROME. Last evaluated: 1996-12-01. Review status: no assertion criteria provided. Collection method: literature only. Allele origin: germline. Not counted in ClinVar's aggregate classification.

Literature cited by the submitters: PubMed 8602509 (cited by Labcorp Genetics (formerly Invitae), Labcorp and OMIM); PubMed 8968742 (cited by Labcorp Genetics (formerly Invitae), Labcorp and OMIM); PubMed 16786514 (cited by Labcorp Genetics (formerly Invitae), Labcorp).